The following is an entry in ClinVar:

NM_005560.6(LAMA5):c.8378A>G (p.Asp2793Gly)

Gene: LAMA5 (laminin subunit alpha 5; minus strand). Cytogenetic location: 20q13.33.
Variant type: single nucleotide variant.
Coding change: c.8378A>G on transcript NM_005560.6 (MANE Select); coding-DNA position 8378, A replaced by G.
Protein change: p.Asp2793Gly; replaces aspartic acid 2793 with glycine.
Molecular consequence: missense variant.
Genome position (GRCh38, 1-based): chr20:62,314,430, T>C on the plus strand (A>G on the coding strand, the complement: LAMA5 is on the minus strand). VCF-style: chr20-62314430-T-C. GRCh37 (hg19) VCF-style: chr20-60889486-T-C.
Other names: c.8378A>G (NM_005560.4); short protein forms D2793G.
Identifiers: ClinVar variation 3665535 (VCV003665535.3).

ClinVar aggregate classification (germline): Benign/Likely benign. Review status: criteria provided, multiple submitters, no conflicts (2 of 4 stars). 2 submissions from 2 submitters: Benign (1); Likely benign (1). Last evaluated 2025-11-24.

Conditions:
LAMA5-related disorder. Also called: LAMA5-related condition; LAMA5-Related Disorders.

gnomAD v4.1: 345 of 1,613,302 alleles (0.021%); highest among the groups gnomAD compares: South Asian, 0.36%; 6 homozygotes.

Submissions (2):

Labcorp Genetics (formerly Invitae), Labcorp
Classification: Benign. Last evaluated: 2025-11-24. Review status: criteria provided, single submitter. Criteria: Invitae Variant Classification Sherloc (09022015). Collection method: clinical testing. Allele origin: germline.

PreventionGenetics, part of Exact Sciences
Classification: Likely benign for LAMA5-related condition. Last evaluated: 2025-09-23. Review status: criteria provided, single submitter. Criteria: ACMG Guidelines, 2015. Collection method: clinical testing. Allele origin: germline.
Comment: This variant is classified as likely benign based on ACMG/AMP sequence variant interpretation guidelines (Richards et al. 2015 PMID: 25741868, with internal and published modifications).